The following is an entry in ClinVar:

ClinVar aggregate classification (germline): Uncertain significance (1 of 4 stars; one submission).

Conditions:
Charcot-Marie-Tooth disease type 2. Also called: Charcot-Marie-Tooth type 2. Identifiers: Orphanet 64746, MedGen C0270914, MONDO:0018993.

Submission:

Labcorp Genetics (formerly Invitae), Labcorp
Classification: Uncertain significance for Charcot-Marie-Tooth disease type 2. Last evaluated: 2023-09-05. Review status: criteria provided, single submitter. Criteria: Invitae Variant Classification Sherloc (09022015). Collection method: clinical testing. Allele origin: germline.
Comment: In summary, the available evidence is currently insufficient to determine the role of this variant in disease. Therefore, it has been classified as a Variant of Uncertain Significance. Advanced modeling of protein sequence and biophysical properties (such as structural, functional, and spatial information, amino acid conservation, physicochemical variation, residue mobility, and thermodynamic stability) performed at Invitae indicates that this missense variant is expected to disrupt MFN2 protein function. ClinVar contains an entry for this variant (Variation ID: 1394394). This variant has not been reported in the literature in individuals affected with MFN2-related conditions. This variant is not present in population databases (gnomAD no frequency). This sequence change replaces arginine, which is basic and polar, with glycine, which is neutral and non-polar, at codon 294 of the MFN2 protein (p.Arg294Gly).

NM_014874.4(MFN2):c.880C>G (p.Arg294Gly)

Gene: MFN2 (mitofusin 2; plus strand). Cytogenetic location: 1p36.22.
Variant type: single nucleotide variant.
Coding change: c.880C>G on transcript NM_014874.4 (MANE Select); coding-DNA position 880, C replaced by G.
Protein change: p.Arg294Gly; replaces arginine 294 with glycine.
Molecular consequence: missense variant.
Genome position (GRCh38, 1-based): chr1:12,001,464, C>G. VCF-style: chr1-12001464-C-G. GRCh37 (hg19) VCF-style: chr1-12061521-C-G.
Other names: c.880C>G, p.Arg294Gly (NM_001127660.2); short protein forms R294G.
Identifiers: ClinVar variation 1394394 (VCV001394394.8), dbSNP rs866604005, ClinGen allele CA338441713.
Genomic context (GRCh38, chr1:12,001,464, plus strand): 5'-CGGCGGCAGCACATGGAGCGTTGTACCAGCTTCCTGGTGGATGAGCTGGGCGTGGTGGAT[C>G]GATCCCAGGCCGGGGACCGCATCTTCTTTGTGTCTGCTAAGGAGGTGCTCAACGCCAGGA-3'
Protein context (NP_055689.1, residues 284-304): FLVDELGVVD[Arg294Gly]SQAGDRIFFV